The following is an entry in ClinVar:

NM_006218.4(PIK3CA):c.44T>G (p.Leu15Trp)

Gene: PIK3CA (phosphatidylinositol-4,5-bisphosphate 3-kinase catalytic subunit alpha; plus strand). Cytogenetic location: 3q26.32.
Variant type: single nucleotide variant.
Coding change: c.44T>G on transcript NM_006218.4 (MANE Select); coding-DNA position 44, T replaced by G.
Protein change: p.Leu15Trp; replaces leucine 15 with tryptophan.
Molecular consequence: missense variant.
Genome position (GRCh38, 1-based): chr3:179,198,869, T>G. VCF-style: chr3-179198869-T-G. GRCh37 (hg19) VCF-style: chr3-178916657-T-G.
Other names: short protein forms L15W.
Identifiers: ClinVar variation 1741046 (VCV001741046.2), dbSNP rs2108385120, ClinGen allele CA355270524.

ClinVar aggregate classification (germline): Uncertain significance (1 of 4 stars; one submission).

Conditions:
Inborn genetic diseases. Identifiers: MedGen C0950123, MeSH D030342.

Submission:

Ambry Genetics
Classification: Uncertain significance for Inborn genetic diseases. Last evaluated: 2023-12-07. Review status: criteria provided, single submitter. Criteria: Ambry Variant Classification Scheme 2023. Collection method: clinical testing. Allele origin: germline.
Comment: The p.L15W variant (also known as c.44T>G), located in coding exon 1 of the PIK3CA gene, results from a T to G substitution at nucleotide position 44. The leucine at codon 15 is replaced by tryptophan, an amino acid with similar properties. This amino acid position is conserved. In addition, the in silico prediction for this alteration is inconclusive. Since supporting evidence is limited at this time, the clinical significance of this alteration remains unclear.